The following is an entry in ClinVar:

NM_001289104.2(PRKCSH):c.683C>T (p.Thr228Met)

Gene: PRKCSH (PRKCSH beta subunit of glucosidase II; plus strand). Cytogenetic location: 19p13.2.
Variant type: single nucleotide variant.
Coding change: c.683C>T on transcript NM_001289104.2 (MANE Select); coding-DNA position 683, C replaced by T.
Protein change: p.Thr228Met; replaces threonine 228 with methionine.
Molecular consequence: missense variant.
Genome position (GRCh38, 1-based): chr19:11,445,473, C>T. VCF-style: chr19-11445473-C-T. GRCh37 (hg19) VCF-style: chr19-11556288-C-T.
Other names: c.683C>T, p.Thr228Met (NM_001001329.3, NM_001289102.2, NM_001289103.2 and 3 more transcripts); short protein forms T228M.
Identifiers: ClinVar variation 1394111 (VCV001394111.7), dbSNP rs149787198, ClinGen allele CA9212919.
Genomic context (GRCh38, chr19:11,445,473, plus strand): 5'-AACAGGAGCAGGAGCTGGCGGCTGATGCCTTCAAGGAGCTGGATGATGACATGGACGGGA[C>T]GTGAGTGTCCCCTAGTTGGAGCTGCCCACCTTTCCGTGGGCCTGGGTTTCCCTCCCCGCC-3'
Protein context (NP_001276033.1, residues 218-238): FKELDDDMDG[Thr228Met]VSVTELQTHP

ClinVar aggregate classification (germline): Uncertain significance. Review status: criteria provided, multiple submitters, no conflicts (2 of 4 stars). 2 submissions from 2 submitters: Uncertain significance (2). Last evaluated 2022-02-11.

Conditions:
Polycystic liver disease 1 (PCLD1). Also called: Polycystic liver disease 1 with or without kidney cysts. Identifiers: Orphanet 2924, MedGen C0887850, MONDO:0008265, OMIM 174050.

Allele frequency attached by ClinVar (database versions not stated): ExAC 0.00001; gnomAD exomes 0.00001; gnomAD 0.00003 and 0.00004; TOPMed 0.00003; ESP Exome Variant Server 0.00008.

Submissions (2):

Fulgent Genetics
Classification: Uncertain significance for Polycystic liver disease 1. Last evaluated: 2022-02-11. Review status: criteria provided, single submitter. Criteria: ACMG Guidelines, 2015. Collection method: clinical testing. Allele origin: unknown.

Labcorp Genetics (formerly Invitae), Labcorp
Classification: Uncertain significance. Last evaluated: 2021-10-22. Review status: criteria provided, single submitter. Criteria: Invitae Variant Classification Sherloc (09022015). Collection method: clinical testing. Allele origin: germline.
Comment: Algorithms developed to predict the effect of missense changes on protein structure and function output the following: SIFT: "Tolerated"; PolyPhen-2: "Benign"; Align-GVGD: "Class C0". The methionine amino acid residue is found in multiple mammalian species, which suggests that this missense change does not adversely affect protein function. In summary, the available evidence is currently insufficient to determine the role of this variant in disease. Therefore, it has been classified as a Variant of Uncertain Significance. Algorithms developed to predict the effect of sequence changes on RNA splicing suggest that this variant may disrupt the consensus splice site. This variant has not been reported in the literature in individuals affected with PRKCSH-related conditions. This variant is present in population databases (rs149787198, gnomAD 0.007%). This sequence change replaces threonine, which is neutral and polar, with methionine, which is neutral and non-polar, at codon 228 of the PRKCSH protein (p.Thr228Met).